The following continues an entry in ClinVar:

NM_000133.4(F9):c.881G>A (p.Arg294Gln)

Gene: F9. ClinVar aggregate classification (germline): Pathogenic. Pathogenic (1).

Literature cited by the submitters, continued: PubMed 22639855 (cited by Mayo Clinic Laboratories, Mayo Clinic); PubMed 23093250 (cited by Mayo Clinic Laboratories, Mayo Clinic and Angelo Bianchi Bonomi Hemophilia and Thrombosis Center, Fondazione IRCCS Ca Granda Ospedale Maggiore Policlinico); PubMed 24261420 (cited by Mayo Clinic Laboratories, Mayo Clinic); PubMed 24375831 (cited by Mayo Clinic Laboratories, Mayo Clinic); PubMed 27292088 (cited by Mayo Clinic Laboratories, Mayo Clinic); PubMed 27501440 (cited by Mayo Clinic Laboratories, Mayo Clinic); PubMed 27865967 (cited by Mayo Clinic Laboratories, Mayo Clinic); PubMed 29296726 (cited by Mayo Clinic Laboratories, Mayo Clinic); PubMed 31064749 (cited by Mayo Clinic Laboratories, Mayo Clinic and NIHR Bioresource Rare Diseases, University of Cambridge); PubMed 31257730 (cited by Mayo Clinic Laboratories, Mayo Clinic); PubMed 32224444 (cited by Mayo Clinic Laboratories, Mayo Clinic); PubMed 33082527 (cited by Mayo Clinic Laboratories, Mayo Clinic); PubMed 33760382 (cited by Mayo Clinic Laboratories, Mayo Clinic); PubMed 12588353 (cited by Women's Health and Genetics/Laboratory Corporation of America, LabCorp and Angelo Bianchi Bonomi Hemophilia and Thrombosis Center, Fondazione IRCCS Ca Granda Ospedale Maggiore Policlinico); PubMed 7937052 (cited by 3billion); PubMed 2198809 (cited by Angelo Bianchi Bonomi Hemophilia and Thrombosis Center, Fondazione IRCCS Ca Granda Ospedale Maggiore Policlinico); PubMed 8091381 (cited by Angelo Bianchi Bonomi Hemophilia and Thrombosis Center, Fondazione IRCCS Ca Granda Ospedale Maggiore Policlinico); PubMed 15921378 (cited by Angelo Bianchi Bonomi Hemophilia and Thrombosis Center, Fondazione IRCCS Ca Granda Ospedale Maggiore Policlinico); PubMed 1680287 (cited by Angelo Bianchi Bonomi Hemophilia and Thrombosis Center, Fondazione IRCCS Ca Granda Ospedale Maggiore Policlinico); PubMed 8320491 (cited by Angelo Bianchi Bonomi Hemophilia and Thrombosis Center, Fondazione IRCCS Ca Granda Ospedale Maggiore Policlinico); PubMed 9222764 (cited by Angelo Bianchi Bonomi Hemophilia and Thrombosis Center, Fondazione IRCCS Ca Granda Ospedale Maggiore Policlinico); PubMed 8257988 (cited by Angelo Bianchi Bonomi Hemophilia and Thrombosis Center, Fondazione IRCCS Ca Granda Ospedale Maggiore Policlinico); PubMed 8055323 (cited by Angelo Bianchi Bonomi Hemophilia and Thrombosis Center, Fondazione IRCCS Ca Granda Ospedale Maggiore Policlinico); PubMed 7482402 (cited by Angelo Bianchi Bonomi Hemophilia and Thrombosis Center, Fondazione IRCCS Ca Granda Ospedale Maggiore Policlinico); PubMed 8680410 (cited by Angelo Bianchi Bonomi Hemophilia and Thrombosis Center, Fondazione IRCCS Ca Granda Ospedale Maggiore Policlinico); PubMed 8314564 (cited by Angelo Bianchi Bonomi Hemophilia and Thrombosis Center, Fondazione IRCCS Ca Granda Ospedale Maggiore Policlinico); PubMed 8772212 (cited by Angelo Bianchi Bonomi Hemophilia and Thrombosis Center, Fondazione IRCCS Ca Granda Ospedale Maggiore Policlinico); PubMed 10739381 (cited by Angelo Bianchi Bonomi Hemophilia and Thrombosis Center, Fondazione IRCCS Ca Granda Ospedale Maggiore Policlinico); PubMed 9450791 (cited by Angelo Bianchi Bonomi Hemophilia and Thrombosis Center, Fondazione IRCCS Ca Granda Ospedale Maggiore Policlinico); PubMed 10698280 (cited by Angelo Bianchi Bonomi Hemophilia and Thrombosis Center, Fondazione IRCCS Ca Granda Ospedale Maggiore Policlinico); PubMed 11328285 (cited by Angelo Bianchi Bonomi Hemophilia and Thrombosis Center, Fondazione IRCCS Ca Granda Ospedale Maggiore Policlinico); PubMed 10094553 (cited by Angelo Bianchi Bonomi Hemophilia and Thrombosis Center, Fondazione IRCCS Ca Granda Ospedale Maggiore Policlinico); PubMed 10595634 (cited by Angelo Bianchi Bonomi Hemophilia and Thrombosis Center, Fondazione IRCCS Ca Granda Ospedale Maggiore Policlinico); PubMed 11122099 (cited by Angelo Bianchi Bonomi Hemophilia and Thrombosis Center, Fondazione IRCCS Ca Granda Ospedale Maggiore Policlinico); PubMed 15569175 (cited by Angelo Bianchi Bonomi Hemophilia and Thrombosis Center, Fondazione IRCCS Ca Granda Ospedale Maggiore Policlinico); PubMed 2929599 (cited by OMIM).